The following is an entry in ClinVar:

ClinVar aggregate classification (germline): Benign/Likely benign. Review status: criteria provided, multiple submitters, no conflicts (2 of 4 stars). 2 submissions from 2 submitters: Benign (1); Likely benign (1). Last evaluated 2025-05-19.

Conditions:
Tuberous sclerosis 2 (TSC2). Identifiers: Orphanet 805, MedGen C1860707, MONDO:0013199, OMIM 613254.

Submissions (2):

Myriad Genetics, Inc.
Classification: Likely benign for Tuberous sclerosis 2. Last evaluated: 2025-05-19. Review status: criteria provided, single submitter. Criteria: Myriad Autosomal Dominant, Autosomal Recessive and X-Linked Classification Criteria (2023). Collection method: clinical testing. Allele origin: unknown.
Comment: This variant is considered likely benign. This variant is intronic and is not expected to impact mRNA splicing.

Labcorp Genetics (formerly Invitae), Labcorp
Classification: Benign for Tuberous sclerosis 2. Last evaluated: 2023-02-21. Review status: criteria provided, single submitter. Criteria: Invitae Variant Classification Sherloc (09022015). Collection method: clinical testing. Allele origin: germline.

NM_000548.5(TSC2):c.2097+10del

Gene: TSC2 (TSC complex subunit 2; plus strand). Cytogenetic location: 16p13.3.
Variant type: Deletion.
Coding change: c.2097+10del on transcript NM_000548.5 (MANE Select); 10 bases into the intron after coding-DNA position 2097, one base deleted (G; older notation c.2097+10delG).
Molecular consequence: intron variant.
Genome position (GRCh38, 1-based): chr16:2,071,944, G deleted; the last of 4 consecutive G bases (chr16:2,071,941-2,071,944); deleting any one gives the same sequence. VCF-style (leftmost placement, unchanged base first): chr16-2071940-TG-T. GRCh37 (hg19) VCF-style: chr16-2121941-TG-T.
Other names: c.2097+10del (NM_001114382.3, NM_021055.3, NM_001370405.1 and 3 more transcripts); c.1986+10del (NM_001318827.2); c.1497+10del (NM_001318831.2); c.1950+10del (NM_001318829.2); c.2130+10del (NM_001318832.2).
Identifiers: ClinVar variation 1164118 (VCV001164118.10), dbSNP rs2151309351, ClinGen allele CA2499223294.
Genomic context (GRCh38, chr16:2,071,940, plus strand): 5'-GGGGTCCGTGCCCTACTCCCTGCTCTTCCGCGTCCTGCTGCAGTGCTTGAAGCAGGTGAG[TG>T]GGGCCGGGCAGGGACCATCCGTCCCACGTTGGGCCAGGAGGACAGGGAGCTGCCACCTGC-3'